The following is an entry in ClinVar:

ClinVar aggregate classification (germline): Uncertain significance. Review status: criteria provided, multiple submitters, no conflicts (2 of 4 stars). 4 submissions from 4 submitters: Uncertain significance (4). Last evaluated 2025-11-25.

Conditions:
Inborn genetic diseases. Identifiers: MedGen C0950123, MeSH D030342.
Usher syndrome type 2. Also called: Usher Syndrome Type II. Identifiers: Orphanet 231178, MedGen C0339534, MONDO:0016484.

Allele frequency attached by ClinVar (database versions not stated): gnomAD 0.00001; gnomAD exomes 0.00001; TOPMed 0.00001; ExAC 0.00002.
gnomAD v4.1: 15 of 1,613,828 alleles (0.00093%); highest among the groups gnomAD compares: Non-Finnish European, 0.0013%; no homozygotes.

Submissions (4):

Ambry Genetics
Classification: Uncertain significance for Inborn genetic diseases. Last evaluated: 2025-11-25. Review status: criteria provided, single submitter. Criteria: Ambry Variant Classification Scheme 2023. Collection method: clinical testing. Allele origin: germline.

Labcorp Genetics (formerly Invitae), Labcorp
Classification: Uncertain significance. Last evaluated: 2024-12-03. Review status: criteria provided, single submitter. Criteria: Invitae Variant Classification Sherloc (09022015). Collection method: clinical testing. Allele origin: germline.
Comment: This sequence change replaces valine, which is neutral and non-polar, with glutamic acid, which is acidic and polar, at codon 498 of the ADGRV1 protein (p.Val498Glu). The frequency data for this variant in the population databases is considered unreliable, as metrics indicate poor data quality at this position in the gnomAD database. This variant has not been reported in the literature in individuals affected with ADGRV1-related conditions. ClinVar contains an entry for this variant (Variation ID: 2139683). Invitae Evidence Modeling of protein sequence and biophysical properties (such as structural, functional, and spatial information, amino acid conservation, physicochemical variation, residue mobility, and thermodynamic stability) indicates that this missense variant is not expected to disrupt ADGRV1 protein function with a negative predictive value of 80%. In summary, the available evidence is currently insufficient to determine the role of this variant in disease. Therefore, it has been classified as a Variant of Uncertain Significance.

Blueprint Genetics
Classification: Uncertain significance. Last evaluated: 2024-09-09. Review status: criteria provided, single submitter. Criteria: ACMG Guidelines, 2015. Collection method: clinical testing. Allele origin: germline.

Department of Pathology and Laboratory Medicine, Sinai Health System
Classification: Uncertain significance for Usher syndrome type 2. Last evaluated: 2021-10-26. Review status: criteria provided, single submitter. Criteria: ACMG Guidelines, 2015. Collection method: research. Allele origin: germline.

NM_032119.4(ADGRV1):c.1493T>A (p.Val498Glu)

Gene: ADGRV1 (adhesion G protein-coupled receptor V1; plus strand). Cytogenetic location: 5q14.3.
Variant type: single nucleotide variant.
Coding change: c.1493T>A on transcript NM_032119.4 (MANE Select); coding-DNA position 1493, T replaced by A.
Protein change: p.Val498Glu; replaces valine 498 with glutamic acid.
Molecular consequence: missense variant. On other transcripts: non-coding transcript variant (1).
Genome position (GRCh38, 1-based): chr5:90,628,816, T>A. VCF-style: chr5-90628816-T-A. GRCh37 (hg19) VCF-style: chr5-89924633-T-A.
Other names: c.1493T>A (NM_032119.3); short protein forms V498E.
Identifiers: ClinVar variation 2139683 (VCV002139683.6), dbSNP rs779083717, ClinGen allele CA3338691.